The following is an entry in ClinVar:

ClinVar aggregate classification (germline): Likely benign (0 of 4 stars; one submission).

Conditions:
LAMB1-related disorder. Also called: LAMB1-related condition.

Submission:

PreventionGenetics, part of Exact Sciences
Classification: Likely benign for LAMB1-related condition. Last evaluated: 2024-05-09. Review status: no assertion criteria provided. Collection method: clinical testing. Allele origin: germline.
Comment: This variant is classified as likely benign based on ACMG/AMP sequence variant interpretation guidelines (Richards et al. 2015 PMID: 25741868, with internal and published modifications).

NM_002291.3(LAMB1):c.4745+8_4745+9del

Gene: LAMB1 (laminin subunit beta 1; minus strand). Cytogenetic location: 7q31.1.
Variant type: Deletion.
Coding change: c.4745+8_4745+9del on transcript NM_002291.3 (MANE Select); bases 8 to 9 of the intron after coding-DNA position 4745, 2 bases deleted (AA; older notation c.4745+8_4745+9delAA).
Molecular consequence: intron variant.
Genome position (GRCh38, 1-based): chr7:107,929,403-107,929,404, TT deleted on the plus strand (AA on the coding strand, the reverse complement: LAMB1 is on the minus strand); deleting any 2 consecutive bases within chr7:107,929,403-107,929,405 gives the same sequence; the c. name uses the placement nearest the transcript's 3' end. VCF-style (leftmost placement, unchanged base first): chr7-107929402-CTT-C. GRCh37 (hg19) VCF-style: chr7-107569847-CTT-C.
Identifiers: ClinVar variation 3346971 (VCV003346971.1).